The following is an entry in ClinVar:

ClinVar aggregate classification (germline): Uncertain significance (1 of 4 stars; one submission).

Submission:

GeneDx
Classification: Uncertain significance. Last evaluated: 2021-02-12. Review status: criteria provided, single submitter. Criteria: GeneDx Variant Classification Process June 2021. Collection method: clinical testing. Allele origin: germline. Affected: yes.
Comment: Not observed in large population cohorts (Lek et al., 2016); In silico analysis, which includes protein predictors and evolutionary conservation, supports that this variant does not alter protein structure/function; The majority of missense variants in this gene are considered pathogenic (Stenson et al., 2014); Has not been previously published as pathogenic or benign to our knowledge

NM_006306.4(SMC1A):c.2887G>A (p.Val963Met)

Gene: SMC1A (structural maintenance of chromosomes 1A; minus strand). Cytogenetic location: Xp11.22.
Variant type: single nucleotide variant.
Coding change: c.2887G>A on transcript NM_006306.4 (MANE Select); coding-DNA position 2887, G replaced by A.
Protein change: p.Val963Met; replaces valine 963 with methionine.
Molecular consequence: missense variant.
Genome position (GRCh38, 1-based): chrX:53,394,864, C>T on the plus strand (G>A on the coding strand, the complement: SMC1A is on the minus strand). VCF-style: chrX-53394864-C-T. GRCh37 (hg19) VCF-style: chrX-53421784-C-T.
Other names: c.2821G>A, p.Val941Met (NM_001281463.1); short protein forms V941M, V963M.
Identifiers: ClinVar variation 1307408 (VCV001307408.2), dbSNP rs2146592426, ClinGen allele CA413247503.